The following is an entry in ClinVar:

NM_003072.5(SMARCA4):c.295C>T (p.Arg99Trp)

Gene: SMARCA4 (SWI/SNF related BAF chromatin remodeling complex subunit ATPase 4; plus strand). Cytogenetic location: 19p13.2.
Variant type: single nucleotide variant.
Coding change: c.295C>T on transcript NM_003072.5 (MANE Select); coding-DNA position 295, C replaced by T.
Protein change: p.Arg99Trp; replaces arginine 99 with tryptophan.
Molecular consequence: missense variant. On other transcripts: non-coding transcript variant (1).
Genome position (GRCh38, 1-based): chr19:10,985,345, C>T. VCF-style: chr19-10985345-C-T. GRCh37 (hg19) VCF-style: chr19-11096021-C-T.
Other names: c.295C>T, p.Arg99Trp (NM_001128844.3, NM_001128845.2, NM_001128846.2 and 4 more transcripts); short protein forms R99W.
Identifiers: ClinVar variation 822366 (VCV000822366.15), dbSNP rs778890805, ClinGen allele CA9203452.

ClinVar aggregate classification (germline): Uncertain significance. Review status: criteria provided, multiple submitters, no conflicts (2 of 4 stars). 3 submissions from 3 submitters: Uncertain significance (3). Last evaluated 2025-11-29.

Conditions:
Hereditary cancer-predisposing syndrome. Also called: Tumor predisposition; Hereditary Cancer Syndrome; Neoplastic Syndromes, Hereditary; Hereditary neoplastic syndrome. Identifiers: Orphanet 140162, MedGen C0027672, MeSH D009386, MONDO:0015356.
Intellectual disability, autosomal dominant 16 (CSS4). Also called: COFFIN-SIRIS SYNDROME 4. Identifiers: Orphanet 1465, MedGen C3553249, MONDO:0013821, OMIM 614609.
Rhabdoid tumor predisposition syndrome 2 (RTPS2). Identifiers: Orphanet 231108, Orphanet 69077, MedGen C2750074, MONDO:0013224, OMIM 613325.

Allele frequency attached by ClinVar (database versions not stated): gnomAD exomes below 0.00001 and 0.00001; ExAC 0.00001; TOPMed 0.00001.
gnomAD v4.1: 10 of 1,613,936 alleles (0.00062%); highest among the groups gnomAD compares: East Asian, 0.0022%; no homozygotes.

Submissions (3):

Labcorp Genetics (formerly Invitae), Labcorp
Classification: Uncertain significance for Rhabdoid tumor predisposition syndrome 2. Last evaluated: 2025-11-29. Review status: criteria provided, single submitter. Criteria: Invitae Variant Classification Sherloc (09022015). Collection method: clinical testing. Allele origin: germline.
Comment: This sequence change replaces arginine, which is basic and polar, with tryptophan, which is neutral and slightly polar, at codon 99 of the SMARCA4 protein (p.Arg99Trp). The frequency data for this variant in the population databases is considered unreliable, as metrics indicate poor data quality at this position in the gnomAD database. This missense change has been observed in individual(s) with colorectal cancer (PMID: 25058500). ClinVar contains an entry for this variant (Variation ID: 822366). Invitae Evidence Modeling of protein sequence and biophysical properties (such as structural, functional, and spatial information, amino acid conservation, physicochemical variation, residue mobility, and thermodynamic stability) has been performed for this missense variant. However, the output from this modeling did not meet the statistical confidence thresholds required to predict the impact of this variant on SMARCA4 protein function. In summary, the available evidence is currently insufficient to determine the role of this variant in disease. Therefore, it has been classified as a Variant of Uncertain Significance.

Ambry Genetics
Classification: Uncertain significance for Hereditary cancer-predisposing syndrome. Last evaluated: 2024-05-22. Review status: criteria provided, single submitter. Criteria: Ambry Variant Classification Scheme 2023. Collection method: clinical testing. Allele origin: germline.
Comment: The p.R99W variant (also known as c.295C>T), located in coding exon 2 of the SMARCA4 gene, results from a C to T substitution at nucleotide position 295. The arginine at codon 99 is replaced by tryptophan, an amino acid with dissimilar properties. This variant has been reported in a family undergoing whole exome sequencing due to familial colon cancer; three males were confirmed carriers and had histories of colorectal cancer or advanced adenoma of the colon. No rhabdoid tumors of the ovary or central nervous system were reported in this family (Esteban-Jurado C et al. Genet. Med., 2015 Feb;17:131-42). This amino acid position is highly conserved in available vertebrate species. In addition, this alteration is predicted to be deleterious by in silico analysis. Based on the available evidence, the clinical significance of this variant remains unclear.

Genome-Nilou Lab
Classification: Uncertain significance for Intellectual disability, autosomal dominant 16. Last evaluated: 2021-07-15. Review status: criteria provided, single submitter. Criteria: ACMG Guidelines, 2015. Collection method: clinical testing. Allele origin: germline. Affected: no.

Literature cited by the submitters: PubMed 25058500 (cited by Labcorp Genetics (formerly Invitae), Labcorp and Ambry Genetics).